The following is an entry in ClinVar:

ClinVar aggregate classification (germline): Uncertain significance. Review status: criteria provided, multiple submitters, no conflicts (2 of 4 stars). 2 submissions from 2 submitters: Uncertain significance (2). Last evaluated 2024-02-13.

Conditions:
Inborn genetic diseases. Identifiers: MedGen C0950123, MeSH D030342.

Allele frequency attached by ClinVar (database versions not stated): ExAC 0.00001; gnomAD 0.00001; gnomAD exomes 0.00002; TOPMed 0.00002.
gnomAD v4.1: 27 of 1,612,748 alleles (0.0017%); highest among the groups gnomAD compares: Middle Eastern, 0.017%; no homozygotes.

Submissions (2):

Ambry Genetics
Classification: Uncertain significance for Inborn genetic diseases. Last evaluated: 2024-02-13. Review status: criteria provided, single submitter. Criteria: Ambry Variant Classification Scheme 2023. Collection method: clinical testing. Allele origin: germline.

Labcorp Genetics (formerly Invitae), Labcorp
Classification: Uncertain significance. Last evaluated: 2022-07-14. Review status: criteria provided, single submitter. Criteria: Invitae Variant Classification Sherloc (09022015). Collection method: clinical testing. Allele origin: germline.
Comment: In summary, the available evidence is currently insufficient to determine the role of this variant in disease. Therefore, it has been classified as a Variant of Uncertain Significance. Algorithms developed to predict the effect of missense changes on protein structure and function (SIFT, PolyPhen-2, Align-GVGD) all suggest that this variant is likely to be tolerated. This variant has not been reported in the literature in individuals affected with AIMP1-related conditions. This variant is present in population databases (rs747675209, gnomAD 0.0009%). This sequence change replaces arginine, which is basic and polar, with glutamine, which is neutral and polar, at codon 49 of the AIMP1 protein (p.Arg49Gln).

NM_001142416.2(AIMP1):c.146G>A (p.Arg49Gln)

Gene: AIMP1 (aminoacyl tRNA synthetase complex interacting multifunctional protein 1; plus strand). Cytogenetic location: 4q24.
Variant type: single nucleotide variant.
Coding change: c.146G>A on transcript NM_001142416.2 (MANE Select); coding-DNA position 146, G replaced by A.
Protein change: p.Arg49Gln; replaces arginine 49 with glutamine.
Molecular consequence: missense variant.
Genome position (GRCh38, 1-based): chr4:106,327,487, G>A. VCF-style: chr4-106327487-G-A. GRCh37 (hg19) VCF-style: chr4-107248644-G-A.
Other names: c.146G>A (NM_004757.3); c.146G>A, p.Arg49Gln (NM_001142415.2, NM_004757.4); short protein forms R49Q.
Identifiers: ClinVar variation 1901311 (VCV001901311.6), dbSNP rs747675209, ClinGen allele CA3035637.
Genomic context (GRCh38, chr4:106,327,487, plus strand): 5'-TTAACTGGATGTTCTTGATCCTAGTTTTGCAGGCAACTTTGAGGGAAGAGAAGAAACTTC[G>A]AGTTGAAAATGCTAAACTGAAGAAAGAAATTGAAGAACTGAAACAAGAGCTAATTCAGGC-3'
Protein context (NP_001135888.2, residues 39-59): QATLREEKKL[Arg49Gln]VENAKLKKEI